The following is an entry in ClinVar:

NM_024740.2(ALG9):c.334C>T (p.Arg112Cys)

Gene: ALG9 (ALG9 alpha-1,2-mannosyltransferase; minus strand). Cytogenetic location: 11q23.1.
Variant type: single nucleotide variant.
Coding change: c.334C>T on transcript NM_024740.2 (MANE Select); coding-DNA position 334, C replaced by T.
Protein change: p.Arg112Cys; replaces arginine 112 with cysteine.
Molecular consequence: missense variant. On other transcripts: 5 prime UTR variant (15), non-coding transcript variant (1).
Genome position (GRCh38, 1-based): chr11:111,868,673, G>A on the plus strand (C>T on the coding strand, the complement: ALG9 is on the minus strand). VCF-style: chr11-111868673-G-A. GRCh37 (hg19) VCF-style: chr11-111739396-G-A.
Other names: c.334C>T, p.Arg112Cys (NM_001077690.1, NM_001352417.1, NM_001352418.1); c.-180C>T (NM_001077691.2, NM_001077692.2, NM_001352409.1 and 11 more transcripts); c.-398C>T (NM_001352422.2); short protein forms R112C.
Identifiers: ClinVar variation 2443125 (VCV002443125.4), dbSNP rs782761440, ClinGen allele CA6274694.

ClinVar aggregate classification (germline): Uncertain significance. Review status: criteria provided, multiple submitters, no conflicts (2 of 4 stars). 3 submissions from 3 submitters: Uncertain significance (2). 1 of the submissions does not count toward it. Last evaluated 2025-06-01.

Conditions:
Familial cystic renal disease. Identifiers: Orphanet 93587, MedGen C5680285, MONDO:0019741.

Allele frequency attached by ClinVar (database versions not stated): ExAC 0.00001; gnomAD exomes 0.00001; gnomAD 0.00003; TOPMed 0.00004.
gnomAD v4.1: 17 of 1,613,570 alleles (0.0011%); highest among the groups gnomAD compares: South Asian, 0.0033%; no homozygotes.

Submissions (3):

Mayo Translational Polycystic Kidney Disease Center, Mayo Clinic
Classification: Uncertain significance for Familial cystic renal disease. Last evaluated: 2025-06-01. Review status: criteria provided, single submitter. Criteria: ACMG Guidelines, 2015. Collection method: research. Allele origin: germline. Inheritance: Autosomal dominant inheritance. Affected: yes.
Comment: The c.334C>T variant in the ALG9 gene results in a missense substitution of arginine to cysteine at codon 112 (p.Arg112Cys). This residue is highly conserved across species, suggesting functional importance. Multiple in silico prediction tools (e.g., PolyPhen-2, SIFT, REVEL) predict a deleterious effect on protein function, supporting PP3. The variant is extremely rare, with an allele frequency of <0.01% in gnomAD v4.1.0, consistent with PM2. It has been observed in one individual with mild polycystic kidney disease, a phenotype that aligns with ALG9-associated cystic disease, lending support to PP4 (Jawaid, 2025). However, despite this supportive evidence, the current data are insufficient to definitively establish a causal relationship between this variant and disease. Therefore, according to ACMG/AMP guidelines, this variant is best classified as a Variant of Uncertain Significance (VUS).

GeneDx
Classification: Uncertain significance. Last evaluated: 2023-12-10. Review status: criteria provided, single submitter. Criteria: GeneDx Variant Classification Process June 2021. Collection method: clinical testing. Allele origin: germline. Affected: yes.
Comment: Reported in a patient with polycystic kidney disease in published literature; clinical information not available for review (PMID: 36573973); Not observed at significant frequency in large population cohorts (gnomAD); In silico analysis supports that this missense variant has a deleterious effect on protein structure/function; This variant is associated with the following publications: (PMID: 36573973)

Genetic Services Laboratory, University of Chicago
Classification: Uncertain significance. Last evaluated: 2022-12-20. Review status: no assertion criteria provided. Collection method: clinical testing. Allele origin: germline. Affected: no. Not counted in ClinVar's aggregate classification.
Comment: DNA sequence analysis of the ALG9 gene demonstrated a sequence change, c.334C>T, in exon 3 that results in an amino acid change, p.Arg112Cys. This sequence change has been described in the gnomAD database with a frequency of 0.008% in the African/African American subpopulation (dbSNP rs782761440). The p.Arg112Cys change affects a highly conserved amino acid residue located in a domain of the ALG9 protein that is known to be functional. The p.Arg112Cys substitution appears to be deleterious benign using several in-silico pathogenicity prediction tools (SIFT, PolyPhen2, Align GVGD, REVEL). This sequence change does not appear to have been previously described in individuals with ALG9-related disorders. Due to insufficient evidences and the lack of functional studies, the clinical significance of the p.Arg112Cys change remains unknown at this time.

Literature cited by the submitters: PubMed 39899384 (cited by Mayo Translational Polycystic Kidney Disease Center, Mayo Clinic).